The following is an entry in ClinVar:

NM_001953.5(TYMP):c.908G>A (p.Arg303Lys)

Genes: TYMP (thymidine phosphorylase; minus strand), LOC130067862 (ATAC-STARR-seq lymphoblastoid silent region 13986; plus strand). Cytogenetic location: 22q13.33.
Variant type: single nucleotide variant.
Coding change: c.908G>A on transcript NM_001953.5 (MANE Select); coding-DNA position 908, G replaced by A.
Protein change: p.Arg303Lys; replaces arginine 303 with lysine.
Molecular consequence: missense variant.
Genome position (GRCh38, 1-based): chr22:50,526,596, C>T on the plus strand (G>A on the coding strand, the complement: TYMP is on the minus strand). VCF-style: chr22-50526596-C-T. GRCh37 (hg19) VCF-style: chr22-50965025-C-T.
Other names: p.Arg303Lys; c.908G>A (NM_001953.3); c.908G>A, p.Arg303Lys (NM_001113755.3, NM_001113756.3, NM_001257988.1 and 1 more transcripts); short protein forms R303K.
Identifiers: ClinVar variation 1426821 (VCV001426821.6), dbSNP rs763685299, ClinGen allele CA10321541.

ClinVar aggregate classification (germline): Uncertain significance. Review status: criteria provided, multiple submitters, no conflicts (2 of 4 stars). 3 submissions from 3 submitters: Uncertain significance (3). Last evaluated 2024-12-24.

Conditions:
Inborn genetic diseases. Identifiers: MedGen C0950123, MeSH D030342.

Allele frequency attached by ClinVar (database versions not stated): gnomAD 0.00003; TOPMed 0.00003.
gnomAD v4.1: 84 of 1,580,132 alleles (0.0053%); highest among the groups gnomAD compares: Non-Finnish European, 0.007%; no homozygotes.

Submissions (3):

Mayo Clinic Laboratories, Mayo Clinic
Classification: Uncertain significance. Last evaluated: 2024-12-24. Review status: criteria provided, single submitter. Criteria: ACMG Guidelines, 2015. Collection method: clinical testing. Allele origin: germline. Observed: 1 variant allele.
Comment: PM2_supporting

Labcorp Genetics (formerly Invitae), Labcorp
Classification: Uncertain significance. Last evaluated: 2024-09-11. Review status: criteria provided, single submitter. Criteria: Invitae Variant Classification Sherloc (09022015). Collection method: clinical testing. Allele origin: germline.
Comment: This sequence change replaces arginine, which is basic and polar, with lysine, which is basic and polar, at codon 303 of the TYMP protein (p.Arg303Lys). The frequency data for this variant in the population databases is considered unreliable, as metrics indicate poor data quality at this position in the gnomAD database. This variant has not been reported in the literature in individuals affected with TYMP-related conditions. ClinVar contains an entry for this variant (Variation ID: 1426821). Invitae Evidence Modeling of protein sequence and biophysical properties (such as structural, functional, and spatial information, amino acid conservation, physicochemical variation, residue mobility, and thermodynamic stability) indicates that this missense variant is not expected to disrupt TYMP protein function with a negative predictive value of 95%. In summary, the available evidence is currently insufficient to determine the role of this variant in disease. Therefore, it has been classified as a Variant of Uncertain Significance.

Ambry Genetics
Classification: Uncertain significance for Inborn genetic diseases. Last evaluated: 2024-06-26. Review status: criteria provided, single submitter. Criteria: Ambry Variant Classification Scheme 2023. Collection method: clinical testing. Allele origin: germline.